The following is an entry in ClinVar:

NM_001135649.3(FOXI3):c.220G>A (p.Ala74Thr)

Gene: FOXI3 (forkhead box I3; minus strand). Cytogenetic location: 2p11.2.
Variant type: single nucleotide variant.
Coding change: c.220G>A on transcript NM_001135649.3 (MANE Select); coding-DNA position 220, G replaced by A.
Protein change: p.Ala74Thr; replaces alanine 74 with threonine.
Molecular consequence: missense variant.
Genome position (GRCh38, 1-based): chr2:88,452,316, C>T on the plus strand (G>A on the coding strand, the complement: FOXI3 is on the minus strand). VCF-style: chr2-88452316-C-T. GRCh37 (hg19) VCF-style: chr2-88751834-C-T.
Other names: short protein forms A74T.
Identifiers: ClinVar variation 1467778 (VCV001467778.6), dbSNP rs1274343314, ClinGen allele CA347766808.
Genomic context (GRCh38, chr2:88,452,316, plus strand): 5'-GCAGAAAGGGCCCGGCCGCGGCCCCGGGGGGCGGCGGCGGCGGCGGAGCGCCCAGGTACG[C>T]GGCGGCGGCTGCGGCGGCGGCGGAGGGCGGGCCTCCCACGCCGGGCCCGTTGAGCCACAG-3'
Protein context (NP_001129121.1, residues 64-84): PPSAAAAAAA[Ala74Thr]YLGAPPPPPP

ClinVar aggregate classification (germline): Uncertain significance (1 of 4 stars; one submission).

Allele frequency attached by ClinVar (database versions not stated): gnomAD exomes 0.00001; gnomAD 0.00003 and 0.00004; TOPMed 0.00005.

Submission:

Labcorp Genetics (formerly Invitae), Labcorp
Classification: Uncertain significance. Last evaluated: 2024-02-12. Review status: criteria provided, single submitter. Criteria: Invitae Variant Classification Sherloc (09022015). Collection method: clinical testing. Allele origin: germline.
Comment: This sequence change replaces alanine, which is neutral and non-polar, with threonine, which is neutral and polar, at codon 74 of the FOXI3 protein (p.Ala74Thr). The frequency data for this variant in the population databases is considered unreliable, as metrics indicate insufficient coverage at this position in the gnomAD database. This variant has not been reported in the literature in individuals affected with FOXI3-related conditions. ClinVar contains an entry for this variant (Variation ID: 1467778). Experimental studies and prediction algorithms are not available or were not evaluated, and the functional significance of this variant is currently unknown. In summary, the available evidence is currently insufficient to determine the role of this variant in disease. Therefore, it has been classified as a Variant of Uncertain Significance.